The following is an entry in ClinVar:

NM_153717.3(EVC):c.218C>T (p.Ala73Val)

Gene: EVC (EvC ciliary complex subunit 1; plus strand). Cytogenetic location: 4p16.2.
Variant type: single nucleotide variant.
Coding change: c.218C>T on transcript NM_153717.3 (MANE Select); coding-DNA position 218, C replaced by T.
Protein change: p.Ala73Val; replaces alanine 73 with valine.
Molecular consequence: missense variant.
Genome position (GRCh38, 1-based): chr4:5,719,291, C>T. VCF-style: chr4-5719291-C-T. GRCh37 (hg19) VCF-style: chr4-5721018-C-T.
Other names: c.218C>T, p.Ala73Val (NM_001306090.2, NM_001306092.2); c.218C>T (NM_153717.2); short protein forms A73V.
Identifiers: ClinVar variation 1380245 (VCV001380245.7), dbSNP rs1361442490, ClinGen allele CA356158223.

ClinVar aggregate classification (germline): Conflicting classifications of pathogenicity. Review status: criteria provided, conflicting classifications (1 of 4 stars). 2 submissions from 2 submitters: Uncertain significance (1); Likely benign (1). Last evaluated 2025-07-14.

Conditions:
Ellis-van Creveld syndrome (EVC). Also called: Chondroectodermal dysplasia; EVC-Related Ellis-van Creveld Syndrome; EVC2-Related Ellis-van Creveld Syndrome; MESOECTODERMAL DYSPLASIA. Identifiers: Orphanet 289, MedGen C0013903, MONDO:0009162, OMIM 225500.
Curry-Hall syndrome (WAD). Also called: WEYERS ACRODENTAL DYSOSTOSIS. Identifiers: Orphanet 952, MedGen C0457013, MONDO:0008673, OMIM 193530.
Inborn genetic diseases. Identifiers: MedGen C0950123, MeSH D030342.

Allele frequency attached by ClinVar (database versions not stated): gnomAD exomes below 0.00001; TOPMed 0.00001.
gnomAD v4.1: 22 of 1,614,008 alleles (0.0014%); highest among the groups gnomAD compares: African/African-American, 0.004%; no homozygotes.

Submissions (2):

Ambry Genetics
Classification: Likely benign for Inborn genetic diseases. Last evaluated: 2025-07-14. Review status: criteria provided, single submitter. Criteria: Ambry Variant Classification Scheme 2023. Collection method: clinical testing. Allele origin: germline.

Labcorp Genetics (formerly Invitae), Labcorp
Classification: Uncertain significance for Curry-Hall syndrome; Ellis-van Creveld syndrome. Last evaluated: 2022-06-27. Review status: criteria provided, single submitter. Criteria: Invitae Variant Classification Sherloc (09022015). Collection method: clinical testing. Allele origin: germline.
Comment: This sequence change replaces alanine, which is neutral and non-polar, with valine, which is neutral and non-polar, at codon 73 of the EVC protein (p.Ala73Val). This variant is present in population databases (no rsID available, gnomAD 0.003%). This variant has not been reported in the literature in individuals affected with EVC-related conditions. Algorithms developed to predict the effect of missense changes on protein structure and function output the following: SIFT: "Tolerated"; PolyPhen-2: "Benign"; Align-GVGD: "Class C0". The valine amino acid residue is found in multiple mammalian species, which suggests that this missense change does not adversely affect protein function. In summary, the available evidence is currently insufficient to determine the role of this variant in disease. Therefore, it has been classified as a Variant of Uncertain Significance.